The following is an entry in ClinVar:

ClinVar aggregate classification (germline): Uncertain significance. Review status: criteria provided, multiple submitters, no conflicts (2 of 4 stars). 4 submissions from 4 submitters: Uncertain significance (4). Last evaluated 2025-01-20.

Conditions:
Cardiovascular phenotype. Identifiers: MedGen CN230736.
Cardiomyopathy (CMYO). Also called: Cardiomyopathies. Identifiers: Orphanet 167848, MedGen C0878544, MONDO:0004994, HP:0001638. Inheritance: Various modes of inheritance.
Hypertrophic cardiomyopathy. Also called: HYPERTROPHIC MYOCARDIOPATHY. Identifiers: Orphanet 217569, MedGen C0007194, MeSH D002312, MONDO:0005045, HP:0001639.

Submissions (4):

Labcorp Genetics (formerly Invitae), Labcorp
Classification: Uncertain significance for Hypertrophic cardiomyopathy. Last evaluated: 2025-01-20. Review status: criteria provided, single submitter. Criteria: Invitae Variant Classification Sherloc (09022015). Collection method: clinical testing. Allele origin: germline.
Comment: This sequence change replaces glutamic acid, which is acidic and polar, with lysine, which is basic and polar, at codon 1125 of the MYH7 protein (p.Glu1125Lys). This variant is not present in population databases (gnomAD no frequency). This variant has not been reported in the literature in individuals affected with MYH7-related conditions. ClinVar contains an entry for this variant (Variation ID: 264365). Invitae Evidence Modeling of protein sequence and biophysical properties (such as structural, functional, and spatial information, amino acid conservation, physicochemical variation, residue mobility, and thermodynamic stability) indicates that this missense variant is expected to disrupt MYH7 protein function with a positive predictive value of 95%. In summary, the available evidence is currently insufficient to determine the role of this variant in disease. Therefore, it has been classified as a Variant of Uncertain Significance.

CHEO Genetics Diagnostic Laboratory, Children's Hospital of Eastern Ontario
Classification: Uncertain significance for Cardiomyopathy. Last evaluated: 2022-11-29. Review status: criteria provided, single submitter. Criteria: ACMG Guidelines, 2015. Collection method: clinical testing. Allele origin: germline.

Blueprint Genetics
Classification: Uncertain significance. Last evaluated: 2022-03-25. Review status: criteria provided, single submitter. Criteria: ACMG Guidelines, 2015. Collection method: clinical testing. Allele origin: germline.

Ambry Genetics
Classification: Uncertain significance for Cardiovascular phenotype. Last evaluated: 2015-09-30. Review status: criteria provided, single submitter. Criteria: Ambry Variant Classification Scheme 2023. Collection method: clinical testing. Allele origin: germline.
Comment: The p.E1125K variant (also known as c.3373G>A), located in coding exon 25 of the MYH7 gene, results from a G to A substitution at nucleotide position 3373. The glutamic acid at codon 1125 is replaced by lysine, an amino acid with some similar properties. This variant was not reported in population based cohorts in the following databases: Database of Single Nucleotide Polymorphisms (dbSNP), NHLBI Exome Sequencing Project (ESP), and 1000 Genomes Project. In the ESP, this variant was not observed in 6461 samples (12922 alleles) with coverage at this position. This amino acid position is highly conserved in available vertebrate species. In addition, this alteration is predicted to be deleterious by in silico analysis. Since supporting evidence is limited at this time, the clinical significance of this variant remains unclear.

NM_000257.4(MYH7):c.3373G>A (p.Glu1125Lys)

Gene: MYH7 (myosin heavy chain 7; minus strand). Cytogenetic location: 14q11.2.
Variant type: single nucleotide variant.
Coding change: c.3373G>A on transcript NM_000257.4 (MANE Select); coding-DNA position 3373, G replaced by A.
Protein change: p.Glu1125Lys; replaces glutamic acid 1125 with lysine.
Molecular consequence: missense variant.
Genome position (GRCh38, 1-based): chr14:23,420,198, C>T on the plus strand (G>A on the coding strand, the complement: MYH7 is on the minus strand). VCF-style: chr14-23420198-C-T. GRCh37 (hg19) VCF-style: chr14-23889407-C-T.
Other names: c.3373G>A (LRG_384t1); short protein forms E1125K.
Identifiers: ClinVar variation 264365 (VCV000264365.10), dbSNP rs730880904, ClinGen allele CA10587767.